The following is an entry in ClinVar:

ClinVar aggregate classification (germline): Pathogenic (1 of 4 stars; one submission).

Conditions:
Polycystic kidney disease, adult type (PKD1). Also called: POLYCYSTIC KIDNEY DISEASE 1 WITH OR WITHOUT POLYCYSTIC LIVER DISEASE; POLYCYSTIC KIDNEY DISEASE, ADULT, TYPE I; Polycystic Kidney Disease 1, Autosomal Dominant; Polycystic kidney disease 1; Polycystic kidney disease 1, severe; Polycystic Kidney, Autosomal Dominant. Identifiers: MedGen C3149841, MONDO:0008263, OMIM 173900.

Submission:

Women's Health and Genetics/Laboratory Corporation of America, LabCorp
Classification: Pathogenic for Polycystic kidney disease, adult type. Last evaluated: 2026-06-18. Review status: criteria provided, single submitter. Criteria: LabCorp Variant Classification Summary - May 2015. Collection method: clinical testing. Allele origin: germline.
Comment: Variant summary: PKD1 c.10941dupG (p.Pro3648AlafsX74) results in a premature termination codon, predicted to cause a truncation of the encoded protein or absence of the protein due to nonsense mediated decay, which are commonly known mechanisms for disease. The variant was absent in 240554 control chromosomes. To our knowledge, no occurrence of c.10941dupG in individuals affected with PKD1-related conditions and no experimental evidence demonstrating its impact on protein function have been reported. No submitters have cited clinical-significance assessments for this variant to ClinVar. Based on the evidence outlined above, the variant was classified as pathogenic.

NM_001009944.3(PKD1):c.10941dup (p.Pro3648fs)

Genes: PKD1-AS1 (PKD1 antisense RNA 1; plus strand), PKD1 (polycystin 1, transient receptor potential channel interacting; minus strand). Cytogenetic location: 16p13.3.
Variant type: Duplication.
Coding change: c.10941dup on transcript NM_001009944.3 (MANE Select); coding-DNA position 10941, one base duplicated (G; older notation c.10941dupG).
Protein change: p.Pro3648fs; shifts the reading frame from proline 3648.
Molecular consequence: frameshift variant.
Genome position (GRCh38, 1-based): chr16:2,093,619, C duplicated on the plus strand (G on the coding strand, the reverse complement: PKD1 is on the minus strand); the first of 2 consecutive C bases (chr16:2,093,619-2,093,620); duplicating either gives the same sequence. VCF-style (leftmost placement, unchanged base first): chr16-2093618-G-GC. GRCh37 (hg19) VCF-style: chr16-2143619-G-GC.
Other names: c.10938dup, p.Pro3647fs (NM_000296.4); c.10941dupG (NM_001009944.3); short protein forms P3647fs, P3648fs.
Identifiers: ClinVar variation 4887156 (VCV004887156.1).